The following is an entry in ClinVar:

ClinVar aggregate classification (germline): Conflicting classifications of pathogenicity. Review status: criteria provided, conflicting classifications (1 of 4 stars). 2 submissions from 2 submitters: Likely pathogenic (1); Uncertain significance (1). Last evaluated 2022-10-12.

Conditions:
RYR1-related disorder. Also called: RYR1-related condition; RYR1-related disorders. Identifiers: MedGen CN239331.

Submissions (2):

Labcorp Genetics (formerly Invitae), Labcorp
Classification: Likely pathogenic for RYR1-related disorder. Last evaluated: 2022-10-12. Review status: criteria provided, single submitter. Criteria: Invitae Variant Classification Sherloc (09022015). Collection method: clinical testing. Allele origin: germline.
Comment: In summary, the currently available evidence indicates that the variant is pathogenic, but additional data are needed to prove that conclusively. Therefore, this variant has been classified as Likely Pathogenic. This variant disrupts the p.Arg4861 amino acid residue in RYR1. Other variant(s) that disrupt this residue have been determined to be pathogenic (PMID: 11709545, 11741831, 12565913, 14670767, 23394784, 25521991). This suggests that this residue is clinically significant, and that variants that disrupt this residue are likely to be disease-causing. Advanced modeling of protein sequence and biophysical properties (such as structural, functional, and spatial information, amino acid conservation, physicochemical variation, residue mobility, and thermodynamic stability) performed at Invitae indicates that this missense variant is expected to disrupt RYR1 protein function. This variant has not been reported in the literature in individuals affected with RYR1-related conditions. This variant is not present in population databases (gnomAD no frequency). This sequence change replaces arginine, which is basic and polar, with serine, which is neutral and polar, at codon 4861 of the RYR1 protein (p.Arg4861Ser).

Revvity Omics, Revvity
Classification: Uncertain significance. Last evaluated: 2019-03-27. Review status: criteria provided, single submitter. Criteria: ACMG Guidelines, 2015. Collection method: clinical testing. Allele origin: germline.

Literature cited by the submitters: PubMed 11709545 (cited by Labcorp Genetics (formerly Invitae), Labcorp); PubMed 11741831 (cited by Labcorp Genetics (formerly Invitae), Labcorp); PubMed 12565913 (cited by Labcorp Genetics (formerly Invitae), Labcorp); PubMed 14670767 (cited by Labcorp Genetics (formerly Invitae), Labcorp); PubMed 23394784 (cited by Labcorp Genetics (formerly Invitae), Labcorp); PubMed 25521991 (cited by Labcorp Genetics (formerly Invitae), Labcorp).

NM_000540.3(RYR1):c.14581C>A (p.Arg4861Ser)

Gene: RYR1 (ryanodine receptor 1; plus strand). Cytogenetic location: 19q13.2.
Variant type: single nucleotide variant.
Coding change: c.14581C>A on transcript NM_000540.3 (MANE Select); coding-DNA position 14581, C replaced by A.
Protein change: p.Arg4861Ser; replaces arginine 4861 with serine.
Molecular consequence: missense variant.
Genome position (GRCh38, 1-based): chr19:38,580,439, C>A. VCF-style: chr19-38580439-C-A. GRCh37 (hg19) VCF-style: chr19-39071079-C-A.
Other names: c.14566C>A, p.Arg4856Ser (NM_001042723.2); short protein forms R4861S, R4856S.
Identifiers: ClinVar variation 2027376 (VCV002027376.7), dbSNP rs118192181, ClinGen allele CA405687794.